The following is an entry in ClinVar:

NM_017636.4(TRPM4):c.2668C>G (p.Leu890Val)

Gene: TRPM4 (transient receptor potential cation channel subfamily M member 4; plus strand). Cytogenetic location: 19q13.33.
Variant type: single nucleotide variant.
Coding change: c.2668C>G on transcript NM_017636.4 (MANE Select); coding-DNA position 2668, C replaced by G.
Protein change: p.Leu890Val; replaces leucine 890 with valine.
Molecular consequence: missense variant.
Genome position (GRCh38, 1-based): chr19:49,200,322, C>G. VCF-style: chr19-49200322-C-G. GRCh37 (hg19) VCF-style: chr19-49703579-C-G.
Other names: c.2233C>G, p.Leu745Val (NM_001195227.2); c.2323C>G, p.Leu775Val (NM_001321281.2); c.1060C>G, p.Leu354Val (NM_001321282.2); c.2146C>G, p.Leu716Val (NM_001321283.2); c.1606C>G, p.Leu536Val (NM_001321285.2); short protein forms L716V, L354V, L536V, L745V, L775V, L890V.
Identifiers: ClinVar variation 4191764 (VCV004191764.1).

ClinVar aggregate classification (germline): Uncertain significance (1 of 4 stars; one submission).

Conditions:
Cardiovascular phenotype. Identifiers: MedGen CN230736.

Submission:

Ambry Genetics
Classification: Uncertain significance for Cardiovascular phenotype. Last evaluated: 2025-08-28. Review status: criteria provided, single submitter. Criteria: Ambry Variant Classification Scheme 2023. Collection method: clinical testing. Allele origin: germline.
Comment: The p.L890V variant (also known as c.2668C>G), located in coding exon 18 of the TRPM4 gene, results from a C to G substitution at nucleotide position 2668. The leucine at codon 890 is replaced by valine, an amino acid with highly similar properties. This amino acid position is conserved. In addition, this alteration is predicted to be tolerated by in silico analysis. Based on the available evidence, the clinical significance of this variant remains unclear.